The following is an entry in ClinVar:

NM_000843.4(GRM6):c.2206G>A (p.Glu736Lys)

Genes: GRM6 (glutamate metabotropic receptor 6; minus strand), ZNF454 (zinc finger protein 454; plus strand). Cytogenetic location: 5q35.3.
Variant type: single nucleotide variant.
Coding change: c.2206G>A on transcript NM_000843.4 (MANE Select); coding-DNA position 2206, G replaced by A.
Protein change: p.Glu736Lys; replaces glutamic acid 736 with lysine.
Molecular consequence: missense variant.
Genome position (GRCh38, 1-based): chr5:178,983,140, C>T on the plus strand (G>A on the coding strand, the complement: GRM6 is on the minus strand). VCF-style: chr5-178983140-C-T. GRCh37 (hg19) VCF-style: chr5-178410141-C-T.
Other names: short protein forms E736K.
Identifiers: ClinVar variation 840810 (VCV000840810.9), dbSNP rs377294649, ClinGen allele CA3593601.

ClinVar aggregate classification (germline): Uncertain significance. Review status: criteria provided, multiple submitters, no conflicts (2 of 4 stars). 2 submissions from 2 submitters: Uncertain significance (2). Last evaluated 2024-10-22.

Allele frequency attached by ClinVar (database versions not stated): gnomAD 0.00002 and 0.00003; gnomAD exomes 0.00002 and 0.00004; TOPMed 0.00002; ExAC 0.00006.
gnomAD v4.1: 47 of 1,613,842 alleles (0.0029%); highest among the groups gnomAD compares: East Asian, 0.022%; no homozygotes.

Submissions (2):

Blueprint Genetics
Classification: Uncertain significance. Last evaluated: 2024-10-22. Review status: criteria provided, single submitter. Criteria: ACMG Guidelines, 2015. Collection method: clinical testing. Allele origin: germline.

Labcorp Genetics (formerly Invitae), Labcorp
Classification: Uncertain significance. Last evaluated: 2022-07-19. Review status: criteria provided, single submitter. Criteria: Invitae Variant Classification Sherloc (09022015). Collection method: clinical testing. Allele origin: germline.
Comment: This sequence change replaces glutamic acid, which is acidic and polar, with lysine, which is basic and polar, at codon 736 of the GRM6 protein (p.Glu736Lys). This variant is present in population databases (rs377294649, gnomAD 0.03%). This variant has not been reported in the literature in individuals affected with GRM6-related conditions. ClinVar contains an entry for this variant (Variation ID: 840810). Advanced modeling of protein sequence and biophysical properties (such as structural, functional, and spatial information, amino acid conservation, physicochemical variation, residue mobility, and thermodynamic stability) performed at Invitae indicates that this missense variant is not expected to disrupt GRM6 protein function. In summary, the available evidence is currently insufficient to determine the role of this variant in disease. Therefore, it has been classified as a Variant of Uncertain Significance.